The following is an entry in ClinVar:

ClinVar aggregate classification (germline): Likely pathogenic. Review status: criteria provided, multiple submitters, no conflicts (2 of 4 stars). 2 submissions from 2 submitters: Likely pathogenic (2). Last evaluated 2025-06-25.

Conditions:
LZTR1-related schwannomatosis. Also called: Schwannomatosis 2; Schwannomatosis-2, susceptibility to. Identifiers: Orphanet 93921, MedGen C3810283, MONDO:0014299, OMIM 615670.
Hereditary cancer-predisposing syndrome. Also called: Hereditary neoplastic syndrome; Neoplastic Syndromes, Hereditary; Tumor predisposition; Hereditary Cancer Syndrome. Identifiers: Orphanet 140162, MedGen C0027672, MeSH D009386, MONDO:0015356.
Cardiovascular phenotype. Identifiers: MedGen CN230736.

Submissions (2):

Ambry Genetics
Classification: Likely pathogenic for Cardiovascular phenotype; Hereditary cancer-predisposing syndrome. Last evaluated: 2025-06-25. Review status: criteria provided, single submitter. Criteria: Ambry Variant Classification Scheme 2023. Collection method: clinical testing. Allele origin: germline.
Comment: The c.1616-2A>C intronic variant results from an A to C substitution two nucleotides upstream from coding exon 15 in the LZTR1 gene. Alterations that disrupt the canonical splice site are expected to cause aberrant splicing, resulting in an abnormal protein or a transcript that is subject to nonsense-mediated mRNA decay. In silico splice site analysis predicts that this alteration will weaken the native splice acceptor site; however, direct evidence is insufficient at this time (Ambry internal data). This nucleotide position is highly conserved in available vertebrate species. Loss-of-function variants in LZTR1 are related to an increased risk for schwannomas and autosomal recessive Noonan syndrome; however, such associations with autosomal dominant Noonan syndrome have not been observed (Piotrowski A et al. Nat Genet. 2014 Feb;46:182-7; Yamamoto GL et al. J Med Genet. 2015 Jun;52:413-21; Johnston JJ et al. Genet Med. 2018 10;20:1175-1185). Based on the supporting evidence, this variant is likely pathogenic for an increased risk of LZTR1-related schwannomatosis (SWN) and would be expected to cause autosomal recessive Noonan syndrome when present along with a second pathogenic or likely pathogenic variant on the other allele; however, the association of this alteration with autosomal dominant Noonan syndrome is unlikely.

Juno Genomics, Hangzhou Juno Genomics, Inc
Classification: Likely pathogenic for LZTR1-related schwannomatosis. Review status: criteria provided, single submitter. Criteria: ACMG Guidelines, 2015. Collection method: clinical testing. Allele origin: germline.
Comment: Null variant in a gene where loss of function (LOF) is a known mechanism of disease.;Absent from controls (or at extremely low frequency if recessive) in Genome Aggregation Database.

NM_006767.4(LZTR1):c.1616-2A>C

Gene: LZTR1 (leucine zipper like post translational regulator 1; plus strand). Cytogenetic location: 22q11.21.
Variant type: single nucleotide variant.
Coding change: c.1616-2A>C on transcript NM_006767.4 (MANE Select); the canonical splice acceptor site of the intron before coding-DNA position 1616, A replaced by C.
Molecular consequence: splice acceptor variant.
Genome position (GRCh38, 1-based): chr22:20,994,556, A>C. VCF-style: chr22-20994556-A-C. GRCh37 (hg19) VCF-style: chr22-21348845-A-C.
Identifiers: ClinVar variation 1776487 (VCV001776487.5), dbSNP rs1328046881, ClinGen allele CA410776424.
Genomic context (GRCh38, chr22:20,994,556, plus strand): 5'-TGCGCCCTGTGCCCTGCCCTCCCCTCTCCGGCTCCCTGAGATTCGGGGGCTCTGGGGCGC[A>C]GGCCATGTGGAGGATGTGCTGCTCATCATGGATGTGTACAAACTGGCACTGAGCTTCCAG-3'